The following is an entry in ClinVar:

NM_002397.5(MEF2C):c.-143+5G>C

Gene: MEF2C (myocyte enhancer factor 2C; minus strand). Cytogenetic location: 5q14.3.
Variant type: single nucleotide variant.
Coding change: c.-143+5G>C on transcript NM_002397.5 (MANE Select); 5 bases into the intron after 143 bases upstream of the start codon, G replaced by C.
Molecular consequence: intron variant.
Genome position (GRCh38, 1-based): chr5:88,882,950, C>G on the plus strand (G>C on the coding strand, the complement: MEF2C is on the minus strand). VCF-style: chr5-88882950-C-G. GRCh37 (hg19) VCF-style: chr5-88178767-C-G.
Other names: c.-140+4552G>C (NM_001364329.2, NM_001364334.2); c.-143+4552G>C (NM_001364330.2, NM_001131005.2, NM_001193347.1); c.-140+5G>C (NM_001364333.2, NM_001193350.2, NM_001364354.2 and 8 more transcripts); c.-143+5G>C (NM_001364344.2, NM_001308002.3, NM_001364355.2 and 5 more transcripts); c.-239+5G>C (NM_001364331.2); c.-143+1539G>C (NM_001364345.2, NM_001364335.2).
Identifiers: ClinVar variation 4813360 (VCV004813360.1).
Genomic context (GRCh38, chr5:88,882,950, plus strand): 5'-TGATGCAGATTTTAGAGACAATACCCGGGTTTTCTATTTCCTCGAGAAATATCAGGGGTA[C>G]TTACATGAAGGAAGACCCGATCAGATTAGTCCTTGGGATATTTTCCTTTCTTAAGAGAGA-3'

ClinVar aggregate classification (germline): Likely pathogenic (1 of 4 stars; one submission).

Conditions:
Neurodevelopmental disorder with hypotonia, stereotypic hand movements, and impaired language. Also called: Intellectual disability, autosomal dominant 20. Identifiers: Orphanet 228384, Orphanet 664410, MedGen C3150700, MONDO:0013266, OMIM 613443.

Submission:

Groupe Hospitalier Pitie Salpetriere, Uf Genomique Du Developpement, Assistance Publique Hopitaux de Paris Sorbonne Université
Classification: Likely pathogenic for Neurodevelopmental disorder with hypotonia, stereotypic hand movements, and impaired language. Last evaluated: 2023-10-01. Review status: criteria provided, single submitter. Criteria: ACMG Guidelines, 2015. Collection method: clinical testing. Allele origin: germline. Affected: yes.
Comment: This variant is found de novo (PS2), absent or extremely rare in population databases (PM2_supp) and multiple lines of computational evidence support a deleterious effect on the gene or gene product (PP3)